The following is an entry in ClinVar:

NM_003482.4(KMT2D):c.14829G>A (p.Glu4943=)

Gene: KMT2D (lysine methyltransferase 2D; minus strand). Cytogenetic location: 12q13.12.
Variant type: single nucleotide variant.
Coding change: c.14829G>A on transcript NM_003482.4 (MANE Select); coding-DNA position 14829, G replaced by A.
Protein change: p.Glu4943=; no amino-acid change (glutamic acid 4943 retained).
Molecular consequence: synonymous variant.
Genome position (GRCh38, 1-based): chr12:49,027,137, C>T on the plus strand (G>A on the coding strand, the complement: KMT2D is on the minus strand). VCF-style: chr12-49027137-C-T. GRCh37 (hg19) VCF-style: chr12-49420920-C-T.
Identifiers: ClinVar variation 447668 (VCV000447668.28), dbSNP rs374958373, ClinGen allele CA6545655.

ClinVar aggregate classification (germline): Benign/Likely benign. Review status: criteria provided, multiple submitters, no conflicts (2 of 4 stars). 4 submissions from 4 submitters: Benign (3); Likely benign (1). Last evaluated 2026-01-18.

Conditions:
Kabuki syndrome. Also called: NIIKAWA-KUROKI SYNDROME; Kabuki make-up syndrome. Identifiers: Orphanet 2322, MedGen C0796004, MONDO:0016512.

Allele frequency attached by ClinVar (database versions not stated): gnomAD exomes 0.00012 and 0.00023; gnomAD 0.00014 and 0.00016; TOPMed 0.00017; ExAC 0.00020; ESP Exome Variant Server 0.00033.
gnomAD v4.1: 208 of 1,577,824 alleles (0.013%); highest among the groups gnomAD compares: Non-Finnish European, 0.002%; 2 homozygotes.

Submissions (4):

Labcorp Genetics (formerly Invitae), Labcorp
Classification: Benign for Kabuki syndrome. Last evaluated: 2026-01-18. Review status: criteria provided, single submitter. Criteria: Invitae Variant Classification Sherloc (09022015). Collection method: clinical testing. Allele origin: germline.

Blueprint Genetics
Classification: Benign. Last evaluated: 2024-07-11. Review status: criteria provided, single submitter. Criteria: ACMG Guidelines, 2015. Collection method: clinical testing. Allele origin: germline.

CeGaT Center for Human Genetics Tuebingen
Classification: Likely benign. Last evaluated: 2024-06-01. Review status: criteria provided, single submitter. Criteria: CeGaT Center For Human Genetics Tuebingen Variant Classification Criteria Version 2. Collection method: clinical testing. Allele origin: germline. Affected: yes. Observed: 1 variant allele.
Comment: KMT2D: BP4, BP7

Athena Diagnostics
Classification: Benign. Last evaluated: 2016-08-24. Review status: criteria provided, single submitter. Criteria: Athena Diagnostics Criteria. Collection method: clinical testing. Allele origin: germline.